The following is an entry in ClinVar:

ClinVar aggregate classification (germline): Uncertain significance (1 of 4 stars; one submission).

Allele frequency attached by ClinVar (database versions not stated): gnomAD exomes below 0.00001; TOPMed 0.00001.
gnomAD v4.1: 1 of 1,614,076 alleles (0.000062%); highest among the groups gnomAD compares: East Asian, 0.0022%; no homozygotes.

Submission:

GeneDx
Classification: Uncertain significance. Last evaluated: 2022-03-18. Review status: criteria provided, single submitter. Criteria: GeneDx Variant Classification Process June 2021. Collection method: clinical testing. Allele origin: germline. Affected: yes.
Comment: Not observed at significant frequency in large population cohorts (gnomAD); In silico analysis supports that this missense variant has a deleterious effect on protein structure/function; Has not been previously published as pathogenic or benign to our knowledge

NM_013275.6(ANKRD11):c.976G>C (p.Gly326Arg)

Gene: ANKRD11 (ankyrin repeat domain containing 11; minus strand). Cytogenetic location: 16q24.3.
Variant type: single nucleotide variant.
Coding change: c.976G>C on transcript NM_013275.6 (MANE Select); coding-DNA position 976, G replaced by C.
Protein change: p.Gly326Arg; replaces glycine 326 with arginine.
Molecular consequence: missense variant.
Genome position (GRCh38, 1-based): chr16:89,285,566, C>G on the plus strand (G>C on the coding strand, the complement: ANKRD11 is on the minus strand). VCF-style: chr16-89285566-C-G. GRCh37 (hg19) VCF-style: chr16-89351974-C-G.
Other names: c.976G>C, p.Gly326Arg (NM_001256182.2, NM_001256183.2); short protein forms G326R.
Identifiers: ClinVar variation 1706205 (VCV001706205.2), dbSNP rs1170938967, ClinGen allele CA397166037.
Genomic context (GRCh38, chr16:89,285,566, plus strand): 5'-CGTCCTTGACGGGGGCCGTGGCCTTCTGTGGCTCTGGGTTCTTGGCCTTGTGCTTGAGGC[C>G]TTTTTCGAACTCGGAGTCCGTGTTGTTGCCGTCGACTGAACTGGAAGGTGCGAAGGATGG-3'
Protein context (NP_037407.4, residues 316-336): GNNTDSEFEK[Gly326Arg]LKHKAKNPEP